The following is an entry in ClinVar:

NM_001162501.2(TNRC6B):c.2112del (p.Asn704fs)

Gene: TNRC6B (trinucleotide repeat containing adaptor 6B; plus strand). Cytogenetic location: 22q13.1.
Variant type: Deletion.
Coding change: c.2112del on transcript NM_001162501.2 (MANE Select); coding-DNA position 2112, one base deleted (C; older notation c.2112delC).
Protein change: p.Asn704fs; shifts the reading frame from asparagine 704.
Molecular consequence: frameshift variant. On other transcripts: intron variant (1).
Genome position (GRCh38, 1-based): chr22:40,266,342, C deleted. VCF-style (leftmost placement, unchanged base first): chr22-40266341-AC-A. GRCh37 (hg19) VCF-style: chr22-40662345-AC-A.
Other names: c.2112del, p.Asn704fs (NM_015088.3); c.566-3780del (NM_001024843.2); short protein forms N704fs.
Identifiers: ClinVar variation 3775098 (VCV003775098.1).
Genomic context (GRCh38, chr22:40,266,341, plus strand): 5'-CAGCCTCTACAGAGTGGAAAGACCCCAAGAACACAGGAGGCTGGAATGACTACAAGAACA[AC>A]AACTCTTCCAACTGGGGAGGAGGACGACCTGATGAAAAGACACCTTCCTCTTGGAATGAG-3'

ClinVar aggregate classification (germline): Pathogenic (1 of 4 stars; one submission).

Conditions:
Global developmental delay with speech and behavioral abnormalities. Identifiers: MedGen C5543226, MONDO:0030995, OMIM 619243.

Submission:

Illumina Laboratory Services, Illumina
Classification: Pathogenic for Global developmental delay with speech and behavioral abnormalities. Last evaluated: 2023-12-13. Review status: criteria provided, single submitter. Criteria: ICSLVariantClassificationCriteria RUGD 01 April 2020. Collection method: clinical testing. Allele origin: unknown.
Comment: The TNRC6B c.2112del p.(Asn704LysfsTer88) variant causes a shift in the protein reading frame that is predicted to result in premature termination of the protein. Loss of normal protein function through either protein truncation or nonsense-mediated mRNA decay is expected. To our knowledge, this variant has not been reported in the peer-reviewed literature. This variant is not found in version 2.1.1 or version 4.0.0 of the Genome Aggregation Database. Based on the available evidence, the c.2112del p.(Asn704LysfsTer88) variant is classified as pathogenic for TNRC6B-related complex neurodevelopmental disorder.